The following is an entry in ClinVar:

NM_024529.5(CDC73):c.513-11A>G

Gene: CDC73 (cell division cycle 73; plus strand). Cytogenetic location: 1q31.2.
Variant type: single nucleotide variant.
Coding change: c.513-11A>G on transcript NM_024529.5 (MANE Select); 11 bases into the intron before coding-DNA position 513, A replaced by G.
Molecular consequence: intron variant.
Genome position (GRCh38, 1-based): chr1:193,141,839, A>G. VCF-style: chr1-193141839-A-G. GRCh37 (hg19) VCF-style: chr1-193110969-A-G.
Identifiers: ClinVar variation 2585776 (VCV002585776.2), dbSNP rs1310021399, ClinGen allele CA528080298.

ClinVar aggregate classification (germline): Uncertain significance (1 of 4 stars; one submission).

Conditions:
Hereditary cancer-predisposing syndrome. Also called: Hereditary neoplastic syndrome; Tumor predisposition; Hereditary Cancer Syndrome; Neoplastic Syndromes, Hereditary. Identifiers: Orphanet 140162, MedGen C0027672, MeSH D009386, MONDO:0015356.

Allele frequency attached by ClinVar (database versions not stated): gnomAD exomes below 0.00001.
gnomAD v4.1: 1 of 1,590,140 alleles (0.000063%); no homozygotes.

Submission:

Ambry Genetics
Classification: Uncertain significance for Hereditary cancer-predisposing syndrome. Last evaluated: 2023-07-24. Review status: criteria provided, single submitter. Criteria: Ambry Variant Classification Scheme 2023. Collection method: clinical testing. Allele origin: germline.
Comment: The c.513-11A>G intronic variant results from an A to G substitution 11 nucleotides upstream from coding exon 7 in the CDC73 gene. This nucleotide position is not well conserved in available vertebrate species. In silico splice site analysis predicts that this alteration may weaken the native splice acceptor site and will result in the creation or strengthening of a novel splice acceptor site; however, direct evidence is insufficient at this time (Ambry internal data). Since supporting evidence is limited at this time, the clinical significance of this alteration remains unclear.